The following is an entry in ClinVar:

ClinVar aggregate classification (germline): Conflicting classifications of pathogenicity. Review status: criteria provided, conflicting classifications (1 of 4 stars). 4 submissions from 4 submitters: Uncertain significance (1); Likely benign (2). 1 of the submissions does not count toward it. Last evaluated 2026-01-05.

Conditions:
GRN-related disorder. Also called: GRN-related condition; GRN-related disorders.
GRN-related frontotemporal lobar degeneration with Tdp43 inclusions (FTD2). Also called: DEMENTIA, HEREDITARY DYSPHASIC DISINHIBITION; FRONTOTEMPORAL LOBAR DEGENERATION WITH UBIQUITIN-POSITIVE INCLUSIONS; FTLD-TDP, GRN-RELATED; FRONTOTEMPORAL DEMENTIA WITH TDP43 INCLUSIONS, GRN-RELATED; GRN Frontotemporal Dementia. Identifiers: Orphanet 100070, Orphanet 282, MedGen C1843792, MONDO:0011842, OMIM 607485. Disease mechanism: loss of function.
Neuronal ceroid lipofuscinosis 11. Also called: GRN-Related Neuronal Ceroid-Lipofuscinosis. Identifiers: Orphanet 314629, Orphanet 79262, MedGen C3539123, MONDO:0013866, OMIM 614706.

Allele frequency attached by ClinVar (database versions not stated): ExAC 0.00001; gnomAD exomes 0.00002; gnomAD 0.00004 and 0.00005; TOPMed 0.00007.
gnomAD v4.1: 45 of 1,613,862 alleles (0.0028%); highest among the groups gnomAD compares: Middle Eastern, 0.016%; no homozygotes.

Submissions (4):

Labcorp Genetics (formerly Invitae), Labcorp
Classification: Likely benign for Neuronal ceroid lipofuscinosis 11; GRN-related frontotemporal lobar degeneration with Tdp43 inclusions. Last evaluated: 2026-01-05. Review status: criteria provided, single submitter. Criteria: Invitae Variant Classification Sherloc (09022015). Collection method: clinical testing. Allele origin: germline.

PreventionGenetics, part of Exact Sciences
Classification: Likely benign for GRN-related condition. Last evaluated: 2025-02-03. Review status: criteria provided, single submitter. Criteria: ACMG Guidelines, 2015. Collection method: clinical testing. Allele origin: germline.
Comment: This variant is classified as likely benign based on ACMG/AMP sequence variant interpretation guidelines (Richards et al. 2015 PMID: 25741868, with internal and published modifications).

Eurofins Ntd Llc (ga)
Classification: Uncertain significance. Last evaluated: 2016-07-07. Review status: criteria provided, single submitter. Criteria: EGL Classification Definitions 2015. Collection method: clinical testing. Allele origin: germline. Observed: 1 variant allele, 1 heterozygote.

VIB  Department of Molecular Genetics, University of Antwerp
No classification provided. Review status: no classification provided. Collection method: not provided. Allele origin: unknown. Not counted in ClinVar's aggregate classification.

NM_002087.4(GRN):c.102C>T (p.Pro34=)

Gene: GRN (granulin precursor; plus strand). Cytogenetic location: 17q21.31.
Variant type: single nucleotide variant.
Coding change: c.102C>T on transcript NM_002087.4 (MANE Select); coding-DNA position 102, C replaced by T.
Protein change: p.Pro34=; no amino-acid change (proline 34 retained).
Molecular consequence: synonymous variant.
Genome position (GRCh38, 1-based): chr17:44,349,266, C>T. VCF-style: chr17-44349266-C-T. GRCh37 (hg19) VCF-style: chr17-42426634-C-T.
Identifiers: ClinVar variation 98124 (VCV000098124.14), dbSNP rs63751074, ClinGen allele CA225209.
Genomic context (GRCh38, chr17:44,349,266, plus strand): 5'-GGTGGCTGGAACGCGGTGCCCAGATGGTCAGTTCTGCCCTGTGGCCTGCTGCCTGGACCC[C>T]GGAGGAGCCAGCTACAGCTGCTGCCGTCCCCTTCTGGTGAGTGCCCCTCAGCCTAGGCAA-3'
Protein context (NP_002078.1, residues 24-44): QFCPVACCLD[Pro34=]GGASYSCCRP